The following is an entry in ClinVar:

ClinVar aggregate classification (germline): Likely benign. Review status: criteria provided, multiple submitters, no conflicts (2 of 4 stars). 5 submissions from 5 submitters: Likely benign (4). 1 of the submissions does not count toward it. Last evaluated 2026-04-09.

Conditions:
Immunodeficiency, common variable, 10. Also called: DEFICIT IN ANTERIOR PITUITARY FUNCTION AND VARIABLE IMMUNODEFICIENCY; IMMUNODEFICIENCY, COMMON VARIABLE, WITH CENTRAL ADRENAL INSUFFICIENCY. Identifiers: MedGen C3809991, MONDO:0014260, OMIM 615577.
NFKB2-related disorder. Also called: NFKB2-related condition.

Allele frequency attached by ClinVar (database versions not stated): gnomAD exomes 0.00006 and 0.00019; ESP Exome Variant Server 0.00016; ExAC 0.00026; gnomAD 0.00050 and 0.00054; TOPMed 0.00053; 1000 Genomes Project 0.00100; 1000 Genomes Project 30x 0.00109.
gnomAD v4.1: 170 of 1,608,018 alleles (0.011%); highest among the groups gnomAD compares: African/African-American, 0.16%; no homozygotes.

Submissions (5):

Women's Health and Genetics/Laboratory Corporation of America, LabCorp
Classification: Likely benign. Last evaluated: 2026-04-09. Review status: criteria provided, single submitter. Criteria: LabCorp Variant Classification Summary - May 2015. Collection method: clinical testing. Allele origin: germline.
Comment: Variant summary: NFKB2 c.2113C>G (p.Leu705Val) results in a conservative amino acid change in the encoded protein sequence. Algorithms developed to predict the effect of missense changes on protein structure and function all suggest that this variant is likely to be tolerated. The variant allele was found at a frequency of 0.00019 in 244688 control chromosomes, predominantly at a frequency of 0.002 within the African or African-American subpopulation in the gnomAD database. The observed variant frequency within African or African-American control individuals in the gnomAD database exceeds the estimated maximal expected allele frequency for disease-causing variants in NFKB2. To our knowledge, no occurrence of c.2113C>G in individuals affected with NFKB2-related conditions and no experimental evidence demonstrating its impact on protein function have been reported. ClinVar contains an entry for this variant (Variation ID: 716219). Based on the evidence outlined above, the variant was classified as likely benign.

Labcorp Genetics (formerly Invitae), Labcorp
Classification: Likely benign for Immunodeficiency, common variable, 10. Last evaluated: 2025-11-25. Review status: criteria provided, single submitter. Criteria: Invitae Variant Classification Sherloc (09022015). Collection method: clinical testing. Allele origin: germline.

Blueprint Genetics
Classification: Likely benign. Last evaluated: 2024-09-04. Review status: criteria provided, single submitter. Criteria: ACMG Guidelines, 2015. Collection method: clinical testing. Allele origin: germline.

Breakthrough Genomics
Classification: Likely benign. Review status: criteria provided, single submitter. Criteria: ACMG Guidelines, 2015. Collection method: not provided. Allele origin: germline. Inheritance: Autosomal dominant inheritance. Affected: yes.

PreventionGenetics, part of Exact Sciences
Classification: Likely benign for NFKB2-related condition. Last evaluated: 2022-12-21. Review status: no assertion criteria provided. Collection method: clinical testing. Allele origin: germline. Not counted in ClinVar's aggregate classification.
Comment: This variant is classified as likely benign based on ACMG/AMP sequence variant interpretation guidelines (Richards et al. 2015 PMID: 25741868, with internal and published modifications).

NM_001322934.2(NFKB2):c.2113C>G (p.Leu705Val)

Gene: NFKB2 (nuclear factor kappa B subunit 2; plus strand). Cytogenetic location: 10q24.32.
Variant type: single nucleotide variant.
Coding change: c.2113C>G on transcript NM_001322934.2 (MANE Select); coding-DNA position 2113, C replaced by G.
Protein change: p.Leu705Val; replaces leucine 705 with valine.
Molecular consequence: missense variant.
Genome position (GRCh38, 1-based): chr10:102,401,221, C>G. VCF-style: chr10-102401221-C-G. GRCh37 (hg19) VCF-style: chr10-104160978-C-G.
Other names: c.2113C>G, p.Leu705Val (NM_001077494.3, NM_001261403.3, NM_001288724.1 and 1 more transcripts); c.1987C>G, p.Leu663Val (NM_001322935.1); short protein forms L705V, L663V.
Identifiers: ClinVar variation 716219 (VCV000716219.14), dbSNP rs376121715, ClinGen allele CA5664996.